The following is an entry in ClinVar:

ClinVar aggregate classification (germline): Uncertain significance (1 of 4 stars; one submission).

Submission:

Labcorp Genetics (formerly Invitae), Labcorp
Classification: Uncertain significance. Last evaluated: 2022-07-21. Review status: criteria provided, single submitter. Criteria: Invitae Variant Classification Sherloc (09022015). Collection method: clinical testing. Allele origin: germline.
Comment: In summary, the available evidence is currently insufficient to determine the role of this variant in disease. Therefore, it has been classified as a Variant of Uncertain Significance. Algorithms developed to predict the effect of missense changes on protein structure and function output the following: SIFT: "Tolerated"; PolyPhen-2: "Benign"; Align-GVGD: "Class C0". The serine amino acid residue is found in multiple mammalian species, which suggests that this missense change does not adversely affect protein function. This variant has not been reported in the literature in individuals affected with RAI1-related conditions. This variant is not present in population databases (gnomAD no frequency). This sequence change replaces alanine, which is neutral and non-polar, with serine, which is neutral and polar, at codon 745 of the RAI1 protein (p.Ala745Ser).

NM_030665.4(RAI1):c.2233G>T (p.Ala745Ser)

Gene: RAI1 (retinoic acid induced 1; plus strand). Cytogenetic location: 17p11.2.
Variant type: single nucleotide variant.
Coding change: c.2233G>T on transcript NM_030665.4 (MANE Select); coding-DNA position 2233, G replaced by T.
Protein change: p.Ala745Ser; replaces alanine 745 with serine.
Molecular consequence: missense variant.
Genome position (GRCh38, 1-based): chr17:17,795,181, G>T. VCF-style: chr17-17795181-G-T. GRCh37 (hg19) VCF-style: chr17-17698495-G-T.
Other names: short protein forms A745S.
Identifiers: ClinVar variation 1722293 (VCV001722293.5), dbSNP rs2032185601, ClinGen allele CA398550510.
Genomic context (GRCh38, chr17:17,795,181, plus strand): 5'-GCTTTTGACTGTTTCCCGGACACAACCGCTGCCAGCTCAGCGGACAGCGCCAACCCCTTT[G>T]CCTGGCCAGAGGAAAACCTGGGGGATGCTTGTCCCAGGTGGGGATTGCACCCTGGCGAGC-3'
Protein context (NP_109590.3, residues 735-755): ASSADSANPF[Ala745Ser]WPEENLGDAC